The following is an entry in ClinVar:

ClinVar aggregate classification (germline): Uncertain significance (1 of 4 stars; one submission).

Allele frequency attached by ClinVar (database versions not stated): TOPMed below 0.00001; ExAC 0.00002; gnomAD exomes 0.00003.
gnomAD v4.1: 45 of 1,614,192 alleles (0.0028%); highest among the groups gnomAD compares: South Asian, 0.041%; no homozygotes.

Submission:

Ambry Genetics
Classification: Uncertain significance. Last evaluated: 2024-04-28. Review status: criteria provided, single submitter. Criteria: Ambry Variant Classification Scheme 2023. Collection method: clinical testing. Allele origin: germline.
Comment: The p.E2163Q variant (also known as c.6487G>C), located in coding exon 12 of the ALPK2 gene, results from a G to C substitution at nucleotide position 6487. The glutamic acid at codon 2163 is replaced by glutamine, an amino acid with highly similar properties. This amino acid position is conserved. In addition, this alteration is predicted to be tolerated by in silico analysis. Since supporting evidence is limited at this time, the clinical significance of this alteration remains unclear.

NM_052947.4(ALPK2):c.6487G>C (p.Glu2163Gln)

Gene: ALPK2 (alpha kinase 2; minus strand). Cytogenetic location: 18q21.31.
Variant type: single nucleotide variant.
Coding change: c.6487G>C on transcript NM_052947.4 (MANE Select); coding-DNA position 6487, G replaced by C.
Protein change: p.Glu2163Gln; replaces glutamic acid 2163 with glutamine.
Molecular consequence: missense variant.
Genome position (GRCh38, 1-based): chr18:58,481,849, C>G on the plus strand (G>C on the coding strand, the complement: ALPK2 is on the minus strand). VCF-style: chr18-58481849-C-G. GRCh37 (hg19) VCF-style: chr18-56149081-C-G.
Other names: short protein forms E2163Q.
Identifiers: ClinVar variation 1753794 (VCV001753794.3), dbSNP rs779696708, ClinGen allele CA8976137.
Genomic context (GRCh38, chr18:58,481,849, plus strand): 5'-TGCTAGCCAGTGGCCATTAGGTTACCCAGGGACGTTAGGTTTTCTTTTCGCCTGGGGTCT[C>G]AGGCCCTGCCTTCTTTATTGTCATAGAGTTTGTTTGAACTTTGCTTTTCCCAATGCTCGG-3'
Protein context (NP_443179.3, residues 2153-2170): NSMTIKKAGP[Glu2163Gln]TPGEKKT